The following is an entry in ClinVar:

NM_006206.6(PDGFRA):c.133T>C (p.Phe45Leu)

Gene: PDGFRA (platelet derived growth factor receptor alpha; plus strand). Cytogenetic location: 4q12.
Variant type: single nucleotide variant.
Coding change: c.133T>C on transcript NM_006206.6 (MANE Select); coding-DNA position 133, T replaced by C.
Protein change: p.Phe45Leu; replaces phenylalanine 45 with leucine.
Molecular consequence: missense variant.
Genome position (GRCh38, 1-based): chr4:54,261,178, T>C. VCF-style: chr4-54261178-T-C. GRCh37 (hg19) VCF-style: chr4-55127345-T-C.
Other names: c.133T>C, p.Phe45Leu (NM_001347827.2, NM_001347829.2); c.208T>C, p.Phe70Leu (NM_001347828.2); c.172T>C, p.Phe58Leu (NM_001347830.2); c.133T>C (NM_006206.5); short protein forms F45L, F58L, F70L.
Identifiers: ClinVar variation 407434 (VCV000407434.19), dbSNP rs149408217, ClinGen allele CA2922237.

ClinVar aggregate classification (germline): Conflicting classifications of pathogenicity. Review status: criteria provided, conflicting classifications (1 of 4 stars). 7 submissions from 7 submitters: Uncertain significance (5); Likely benign (1). 1 of the submissions does not count toward it. Last evaluated 2026-06-12.

Conditions:
Hereditary cancer-predisposing syndrome. Also called: Neoplastic Syndromes, Hereditary; Hereditary Cancer Syndrome; Hereditary neoplastic syndrome; Tumor predisposition. Identifiers: Orphanet 140162, MedGen C0027672, MeSH D009386, MONDO:0015356.
Polyps, multiple and recurrent inflammatory fibroid, gastrointestinal. Identifiers: MedGen C5193005, MONDO:0008285, OMIM 175510.
Gastrointestinal stromal tumor. Also called: Gastrointestinal stroma tumor; Gastrointestinal stromal tumor, somatic. Identifiers: Orphanet 44890, MedGen C0238198, MeSH D046152, MONDO:0011719, OMIM 606764, HP:0100723.
PDGFRA-related disorder. Also called: PDGFRA-related condition.

Allele frequency attached by ClinVar (database versions not stated): gnomAD exomes 0.00006 and 0.00001; ESP Exome Variant Server 0.00008; ExAC 0.00002; TOPMed 0.00002; gnomAD 0.00001.
gnomAD v4.1: 96 of 1,614,040 alleles (0.0059%); highest among the groups gnomAD compares: Non-Finnish European, 0.0072%; no homozygotes.

Submissions (7):

Myriad Genetics, Inc.
Classification: Likely benign for Polyps, multiple and recurrent inflammatory fibroid, gastrointestinal. Last evaluated: 2026-06-12. Review status: criteria provided, single submitter. Criteria: Myriad Autosomal Dominant, Autosomal Recessive and X-Linked Classification Criteria (2023). Collection method: clinical testing. Allele origin: unknown.
Comment: This variant is considered likely benign. This variant has been observed at a population frequency that is significantly greater than expected given the associated disease prevalence and penetrance.

Labcorp Genetics (formerly Invitae), Labcorp
Classification: Uncertain significance for Gastrointestinal stromal tumor. Last evaluated: 2025-11-25. Review status: criteria provided, single submitter. Criteria: Invitae Variant Classification Sherloc (09022015). Collection method: clinical testing. Allele origin: germline.
Comment: This sequence change replaces phenylalanine, which is neutral and non-polar, with leucine, which is neutral and non-polar, at codon 45 of the PDGFRA protein (p.Phe45Leu). This variant is present in population databases (rs149408217, gnomAD 0.002%). This variant has not been reported in the literature in individuals affected with PDGFRA-related conditions. ClinVar contains an entry for this variant (Variation ID: 407434). Invitae Evidence Modeling of protein sequence and biophysical properties (such as structural, functional, and spatial information, amino acid conservation, physicochemical variation, residue mobility, and thermodynamic stability) indicates that this missense variant is not expected to disrupt PDGFRA protein function with a negative predictive value of 80%. In summary, the available evidence is currently insufficient to determine the role of this variant in disease. Therefore, it has been classified as a Variant of Uncertain Significance.

Ambry Genetics
Classification: Uncertain significance for Hereditary cancer-predisposing syndrome. Last evaluated: 2025-09-22. Review status: criteria provided, single submitter. Criteria: Ambry Variant Classification Scheme 2023. Collection method: clinical testing. Allele origin: germline.
Comment: The p.F45L variant (also known as c.133T>C), located in coding exon 2 of the PDGFRA gene, results from a T to C substitution at nucleotide position 133. The phenylalanine at codon 45 is replaced by leucine, an amino acid with highly similar properties. This amino acid position is highly conserved in available vertebrate species. In addition, the in silico prediction for this alteration is inconclusive. Since supporting evidence is limited at this time, the clinical significance of this alteration remains unclear.

ARUP Laboratories, Molecular Genetics and Genomics, ARUP Laboratories
Classification: Uncertain significance. Last evaluated: 2025-06-17. Review status: criteria provided, single submitter. Criteria: ARUP Molecular Germline Variant Investigation Process 2024. Collection method: clinical testing. Allele origin: germline.
Comment: The PDGFRA c.133T>C; p.Phe45Leu variant (rs149408217), to our knowledge, is not reported in the medical literature but is reported in ClinVar (Variation ID: 407434). This variant is only observed on three alleles in the Genome Aggregation Database (v2.1.1), indicating it is not a common polymorphism. Computational analyses are uncertain whether this variant is neutral or deleterious (REVEL: 0.305). Due to limited information, the clinical significance of this variant is uncertain at this time.

GeneDx
Classification: Uncertain significance. Last evaluated: 2024-12-15. Review status: criteria provided, single submitter. Criteria: GeneDx Variant Classification Process June 2021. Collection method: clinical testing. Allele origin: germline.
Comment: Not observed at significant frequency in large population cohorts (gnomAD); In silico analysis supports that this missense variant has a deleterious effect on protein structure/function; Has not been previously published as pathogenic or benign to our knowledge

Baylor Genetics
Classification: Uncertain significance for Polyps, multiple and recurrent inflammatory fibroid, gastrointestinal. Last evaluated: 2024-02-24. Review status: criteria provided, single submitter. Criteria: ACMG Guidelines, 2015. Collection method: clinical testing. Allele origin: unknown.

PreventionGenetics, part of Exact Sciences
Classification: Uncertain significance for PDGFRA-related condition. Last evaluated: 2024-07-03. Review status: no assertion criteria provided. Collection method: clinical testing. Allele origin: germline. Not counted in ClinVar's aggregate classification.
Comment: The PDGFRA c.133T>C variant is predicted to result in the amino acid substitution p.Phe45Leu. To our knowledge, this variant has not been reported in the literature. This variant is reported in 0.0062% of alleles in individuals of African descent in gnomAD. This variant is classified as a variant of uncertain significance in ClinVar with multiple submitters in agreement. At this time, the clinical significance of this variant is uncertain due to the absence of conclusive functional and genetic evidence.